The following is an entry in ClinVar:

NM_017636.4(TRPM4):c.749_750delinsTT (p.Arg250Leu)

Gene: TRPM4 (transient receptor potential cation channel subfamily M member 4; plus strand). Cytogenetic location: 19q13.33.
Variant type: Indel.
Coding change: c.749_750delinsTT on transcript NM_017636.4 (MANE Select); coding-DNA positions 749 to 750, GC replaced by TT.
Protein change: p.Arg250Leu; replaces arginine 250 with leucine.
Molecular consequence: missense variant. On other transcripts: 5 prime UTR variant (2).
Genome position (GRCh38, 1-based): chr19:49,168,689-49,168,690, GC replaced by TT. VCF-style: chr19-49168689-GC-TT. GRCh37 (hg19) VCF-style: chr19-49671946-GC-TT.
Other names: c.749_750delinsTT, p.Arg250Leu (NM_001195227.2); c.404_405delinsTT, p.Arg135Leu (NM_001321281.2); c.-805_-804delinsTT (NM_001321282.2); c.227_228delinsTT, p.Arg76Leu (NM_001321283.2); c.-101_-100delinsTT (NM_001321285.2); short protein forms R135L, R250L, R76L.
Identifiers: ClinVar variation 3346018 (VCV003346018.1).
Genomic context (GRCh38, chr19:49,168,689, plus strand): 5'-CGGCCTTCTTCCTGGTGGACGACGGCACACACGGCTGCCTGGGGGGCGAGAACCGCTTCC[GC>TT]TTGCGCCTGGAGTCCTACATCTCACAGCAGAAGACGGGCGTGGGAGGTGAGTGGTCGAAC-3'
Protein context (NP_060106.2, residues 240-260): HGCLGGENRF[Arg250Leu]LRLESYISQQ

ClinVar aggregate classification (germline): Uncertain significance (0 of 4 stars; one submission).

Conditions:
TRPM4-related disorder. Also called: TRPM4-related condition; TRPM4-related disorders. Identifiers: MedGen CN239424.

Submission:

PreventionGenetics, part of Exact Sciences
Classification: Uncertain significance for TRPM4-related condition. Last evaluated: 2024-09-03. Review status: no assertion criteria provided. Collection method: clinical testing. Allele origin: germline.
Comment: The TRPM4 c.749_750delinsTT variant is predicted to result in an in-frame deletion and insertion. To our knowledge, this variant has not been reported in the literature or in a large population database, indicating this variant is rare. At this time, the clinical significance of this variant is uncertain due to the absence of conclusive functional and genetic evidence.